The following is an entry in ClinVar:

NM_001081.4(CUBN):c.8693T>A (p.Phe2898Tyr)

Gene: CUBN (cubilin; minus strand). Cytogenetic location: 10p13.
Variant type: single nucleotide variant.
Coding change: c.8693T>A on transcript NM_001081.4 (MANE Select); coding-DNA position 8693, T replaced by A.
Protein change: p.Phe2898Tyr; replaces phenylalanine 2898 with tyrosine.
Molecular consequence: missense variant.
Genome position (GRCh38, 1-based): chr10:16,890,433, A>T on the plus strand (T>A on the coding strand, the complement: CUBN is on the minus strand). VCF-style: chr10-16890433-A-T. GRCh37 (hg19) VCF-style: chr10-16932432-A-T.
Other names: short protein forms F2898Y.
Identifiers: ClinVar variation 2504704 (VCV002504704.1), dbSNP rs745513613, ClinGen allele CA5422943.

ClinVar aggregate classification (germline): Uncertain significance (1 of 4 stars; one submission).

Allele frequency attached by ClinVar (database versions not stated): ExAC 0.00001; gnomAD exomes 0.00001.
gnomAD v4.1: 4 of 1,614,076 alleles (0.00025%); highest among the groups gnomAD compares: Admixed American, 0.0067%; no homozygotes.

Submission:

GeneDx
Classification: Uncertain significance. Last evaluated: 2022-12-12. Review status: criteria provided, single submitter. Criteria: GeneDx Variant Classification Process June 2021. Collection method: clinical testing. Allele origin: germline. Affected: yes.
Comment: Not observed at significant frequency in large population cohorts (gnomAD); In silico analysis supports that this missense variant does not alter protein structure/function; Has not been previously published as pathogenic or benign to our knowledge